The following is an entry in ClinVar:

ClinVar aggregate classification (germline): Uncertain significance. Review status: criteria provided, multiple submitters, no conflicts (2 of 4 stars). 2 submissions from 2 submitters: Uncertain significance (2). Last evaluated 2025-12-08.

Conditions:
Emery-Dreifuss muscular dystrophy 5, autosomal dominant (EDMD5). Also called: EMERY-DREIFUSS MUSCULAR DYSTROPHY 5. Identifiers: Orphanet 261, MedGen C2751805, MONDO:0013072, OMIM 612999.

Allele frequency attached by ClinVar (database versions not stated): ExAC 0.00001; gnomAD exomes 0.00001; TOPMed 0.00001; gnomAD 0.00002; 1000 Genomes Project 0.00020; 1000 Genomes Project 30x 0.00031.
gnomAD v4.1: 15 of 1,614,042 alleles (0.00093%); highest among the groups gnomAD compares: East Asian, 0.0045%; no homozygotes.

Submissions (2):

Ambry Genetics
Classification: Uncertain significance. Last evaluated: 2025-12-08. Review status: criteria provided, single submitter. Criteria: Ambry Variant Classification Scheme 2023. Collection method: clinical testing. Allele origin: germline.

Labcorp Genetics (formerly Invitae), Labcorp
Classification: Uncertain significance for Emery-Dreifuss muscular dystrophy 5, autosomal dominant. Last evaluated: 2022-03-22. Review status: criteria provided, single submitter. Criteria: Invitae Variant Classification Sherloc (09022015). Collection method: clinical testing. Allele origin: germline.
Comment: In summary, the available evidence is currently insufficient to determine the role of this variant in disease. Therefore, it has been classified as a Variant of Uncertain Significance. Algorithms developed to predict the effect of missense changes on protein structure and function are either unavailable or do not agree on the potential impact of this missense change (SIFT: "Tolerated"; PolyPhen-2: "Probably Damaging"; Align-GVGD: "Class C0"). ClinVar contains an entry for this variant (Variation ID: 839871). This variant has not been reported in the literature in individuals affected with SYNE2-related conditions. This variant is present in population databases (rs202157687, gnomAD 0.005%). This sequence change replaces arginine, which is basic and polar, with histidine, which is basic and polar, at codon 6284 of the SYNE2 protein (p.Arg6284His).

NM_182914.3(SYNE2):c.18851G>A (p.Arg6284His)

Gene: SYNE2 (spectrin repeat containing nuclear envelope protein 2; plus strand). Cytogenetic location: 14q23.2.
Variant type: single nucleotide variant.
Coding change: c.18851G>A on transcript NM_182914.3 (MANE Select); coding-DNA position 18851, G replaced by A.
Protein change: p.Arg6284His; replaces arginine 6284 with histidine.
Molecular consequence: missense variant.
Genome position (GRCh38, 1-based): chr14:64,212,088, G>A. VCF-style: chr14-64212088-G-A. GRCh37 (hg19) VCF-style: chr14-64678806-G-A.
Other names: c.18851G>A, p.Arg6284His (NM_015180.6); short protein forms R6284H.
Identifiers: ClinVar variation 839871 (VCV000839871.11), dbSNP rs202157687, ClinGen allele CA7224227.